The following is an entry in ClinVar:

ClinVar aggregate classification (germline): Conflicting classifications of pathogenicity. Review status: criteria provided, conflicting classifications (1 of 4 stars). 2 submissions from 2 submitters: Uncertain significance (1); Benign (1). Last evaluated 2025-02-12.

Conditions:
Tuberous sclerosis 2 (TSC2). Identifiers: Orphanet 805, MedGen C1860707, MONDO:0013199, OMIM 613254.
Hereditary cancer-predisposing syndrome. Also called: Tumor predisposition; Hereditary neoplastic syndrome; Neoplastic Syndromes, Hereditary; Hereditary Cancer Syndrome. Identifiers: Orphanet 140162, MedGen C0027672, MeSH D009386, MONDO:0015356.

Submissions (2):

Labcorp Genetics (formerly Invitae), Labcorp
Classification: Benign for Tuberous sclerosis 2. Last evaluated: 2025-02-12. Review status: criteria provided, single submitter. Criteria: Invitae Variant Classification Sherloc (09022015). Collection method: clinical testing. Allele origin: germline.

Ambry Genetics
Classification: Uncertain significance for Hereditary cancer-predisposing syndrome. Last evaluated: 2024-11-13. Review status: criteria provided, single submitter. Criteria: Ambry Variant Classification Scheme 2023. Collection method: clinical testing. Allele origin: germline.
Comment: The p.P1732T variant (also known as c.5194C>A), located in coding exon 40 of the TSC2 gene, results from a C to A substitution at nucleotide position 5194. The proline at codon 1732 is replaced by threonine, an amino acid with highly similar properties. This amino acid position is highly conserved in available vertebrate species. In addition, this alteration is predicted to be deleterious by in silico analysis. Based on the available evidence, the clinical significance of this variant remains unclear.

NM_000548.5(TSC2):c.5194C>A (p.Pro1732Thr)

Gene: TSC2 (TSC complex subunit 2; plus strand). Cytogenetic location: 16p13.3.
Variant type: single nucleotide variant.
Coding change: c.5194C>A on transcript NM_000548.5 (MANE Select); coding-DNA position 5194, C replaced by A.
Protein change: p.Pro1732Thr; replaces proline 1732 with threonine.
Molecular consequence: missense variant.
Genome position (GRCh38, 1-based): chr16:2,088,260, C>A. VCF-style: chr16-2088260-C-A. GRCh37 (hg19) VCF-style: chr16-2138261-C-A.
Other names: c.4462C>A, p.Pro1488Thr (NM_001318831.2); c.5026C>A, p.Pro1676Thr (NM_001318832.2); c.4996C>A, p.Pro1666Thr (NM_001363528.2); c.5062C>A, p.Pro1688Thr (NM_001370404.1); c.5053C>A, p.Pro1685Thr (NM_001370405.1); c.5065C>A, p.Pro1689Thr (NM_021055.3); c.5194C>A (NM_000548.3); c.4993C>A, p.Pro1665Thr (NM_001077183.3); and 3 more; short protein forms P1488T, P1665T, P1685T, P1688T, P1617T, P1666T, P1709T, P1629T.
Identifiers: ClinVar variation 1385363 (VCV001385363.7), dbSNP rs759007975, ClinGen allele CA394314187.
Genomic context (GRCh38, chr16:2,088,260, plus strand): 5'-GAGCTCACCCCCTGCCTACGTCCCCAGATGGCCTCACAGGTGCATCATAGCCGCTCCAAC[C>A]CCACCGATATCTACCCCTCCAAGTGGATTGCCCGGCTCCGCCACATCAAGCGGCTCCGCC-3'
Protein context (NP_000539.2, residues 1722-1742): ASQVHHSRSN[Pro1732Thr]TDIYPSKWIA